The following is an entry in ClinVar:

NM_002591.4(PCK1):c.328C>T (p.Leu110Phe)

Gene: PCK1 (phosphoenolpyruvate carboxykinase 1; plus strand). Cytogenetic location: 20q13.31.
Variant type: single nucleotide variant.
Coding change: c.328C>T on transcript NM_002591.4 (MANE Select); coding-DNA position 328, C replaced by T.
Protein change: p.Leu110Phe; replaces leucine 110 with phenylalanine.
Molecular consequence: missense variant.
Genome position (GRCh38, 1-based): chr20:57,562,174, C>T. VCF-style: chr20-57562174-C-T. GRCh37 (hg19) VCF-style: chr20-56137230-C-T.
Other names: short protein forms L110F.
Identifiers: ClinVar variation 1405085 (VCV001405085.6), dbSNP rs1295975416, ClinGen allele CA409434748.
Genomic context (GRCh38, chr20:57,562,174, plus strand): 5'-AGCAAGACGGTTATCGTCACCCAAGAGCAAAGAGACACAGTGCCCATCCCCAAAACAGGC[C>T]TCAGCCAGCTCGGTCGCTGGATGTCAGAGGAGGATTTTGAGAAAGCGTTCAATGCCAGGT-3'
Protein context (NP_002582.3, residues 100-120): RDTVPIPKTG[Leu110Phe]SQLGRWMSEE

ClinVar aggregate classification (germline): Uncertain significance (1 of 4 stars; one submission).

Allele frequency attached by ClinVar (database versions not stated): gnomAD exomes 0.00001 and 0.00002.

Submission:

Labcorp Genetics (formerly Invitae), Labcorp
Classification: Uncertain significance. Last evaluated: 2022-02-10. Review status: criteria provided, single submitter. Criteria: Invitae Variant Classification Sherloc (09022015). Collection method: clinical testing. Allele origin: germline.
Comment: In summary, the available evidence is currently insufficient to determine the role of this variant in disease. Therefore, it has been classified as a Variant of Uncertain Significance. Algorithms developed to predict the effect of missense changes on protein structure and function (SIFT, PolyPhen-2, Align-GVGD) all suggest that this variant is likely to be tolerated. This variant has not been reported in the literature in individuals affected with PCK1-related conditions. This variant is present in population databases (no rsID available, gnomAD 0.002%). This sequence change replaces leucine, which is neutral and non-polar, with phenylalanine, which is neutral and non-polar, at codon 110 of the PCK1 protein (p.Leu110Phe).